The following is an entry in ClinVar:

NM_017617.5(NOTCH1):c.6130G>A (p.Ala2044Thr)

Genes: NOTCH1 (notch receptor 1; minus strand), LOC126860794 (BRD4-independent group 4 enhancer GRCh37_chr9:139392592-139393791; plus strand). Cytogenetic location: 9q34.3.
Variant type: single nucleotide variant.
Coding change: c.6130G>A on transcript NM_017617.5 (MANE Select); coding-DNA position 6130, G replaced by A.
Protein change: p.Ala2044Thr; replaces alanine 2044 with threonine.
Molecular consequence: missense variant.
Genome position (GRCh38, 1-based): chr9:136,498,949, C>T on the plus strand (G>A on the coding strand, the complement: NOTCH1 is on the minus strand). VCF-style: chr9-136498949-C-T. GRCh37 (hg19) VCF-style: chr9-139393401-C-T.
Other names: c.6130G>A, p.Ala2044Thr (LRG_1122t1); short protein forms A2044T.
Identifiers: ClinVar variation 263917 (VCV000263917.19), dbSNP rs544856644, ClinGen allele CA5340011.
Genomic context (GRCh38, chr9:136,498,949, plus strand): 5'-TCGCGCTCACCCTGTTGTTCTGCATATCTTTGTTAGCCCCGTTCTTCAGGAGCACAACTG[C>T]GGCATCCACATTGTTCACGGCGGCGGCCCAGTGCAGGGCGGACTTGCCTGCGTGAAAGAA-3'
Protein context (NP_060087.3, residues 2034-2054): WAAAVNNVDA[Ala2044Thr]VVLLKNGANK

ClinVar aggregate classification (germline): Conflicting classifications of pathogenicity. Review status: criteria provided, conflicting classifications (1 of 4 stars). 7 submissions from 6 submitters: Uncertain significance (4); Benign (1). 2 of the submissions do not count toward it. Last evaluated 2025-07-27.

Conditions:
Familial thoracic aortic aneurysm and aortic dissection (TAAD). Also called: Thoracic aortic aneurysms and dissections. Identifiers: Orphanet 91387, MedGen C4707243, MONDO:0019625.
Aortic valve disease 1 (AOVD1). Identifiers: MedGen C3887892, MONDO:0024523, OMIM 109730.
Adams-Oliver syndrome 5 (AOS5). Identifiers: Orphanet 974, MedGen C4014970, MONDO:0014459, OMIM 616028.

Allele frequency attached by ClinVar (database versions not stated): 1000 Genomes Project 0.00020; gnomAD 0.00003; 1000 Genomes Project 30x 0.00016; TOPMed 0.00004; ExAC 0.00005; gnomAD exomes 0.00006.
gnomAD v4.1: 96 of 1,613,686 alleles (0.0059%); highest among the groups gnomAD compares: Middle Eastern, 0.016%; no homozygotes.

Submissions (7):

Labcorp Genetics (formerly Invitae), Labcorp
Classification: Benign for Adams-Oliver syndrome 5. Last evaluated: 2025-07-27. Review status: criteria provided, single submitter. Criteria: Invitae Variant Classification Sherloc (09022015). Collection method: clinical testing. Allele origin: germline.

Ambry Genetics
Classification: Uncertain significance for Familial thoracic aortic aneurysm and aortic dissection. Last evaluated: 2025-01-04. Review status: criteria provided, single submitter. Criteria: Ambry Variant Classification Scheme 2023. Collection method: clinical testing. Allele origin: germline.
Comment: The p.A2044T variant (also known as c.6130G>A), located in coding exon 33 of the NOTCH1 gene, results from a G to A substitution at nucleotide position 6130. The alanine at codon 2044 is replaced by threonine, an amino acid with similar properties. This variant has been reported in a thoracic aortic aneurysm and dissection (TAAD) cohort, a congenital heart disease cohort, and a dilated cardiomyopathy (DCM) cohort (Overwater E et al. Hum Mutat, 2018 Sep;39:1173-1192; Stanley KJ et al. Eur J Hum Genet, 2024 Jul;32:795-803; Stroeks SLVM et al. Eur J Hum Genet, 2023 Jul;31:776-783). This amino acid position is highly conserved in available vertebrate species, except threonine is the reference amino acid in lamprey. In addition, this alteration is predicted to be tolerated by in silico analysis. Based on the available evidence, the clinical significance of this variant remains unclear.

GeneDx
Classification: Uncertain significance. Last evaluated: 2024-01-08. Review status: criteria provided, single submitter. Criteria: GeneDx Variant Classification Process June 2021. Collection method: clinical testing. Allele origin: germline.
Comment: In silico analysis supports that this missense variant does not alter protein structure/function; This variant is associated with the following publications: (PMID: 29907982)

Genome-Nilou Lab
Classification: Uncertain significance for Adams-Oliver syndrome 5. Last evaluated: 2022-03-15. Review status: criteria provided, single submitter. Criteria: ACMG Guidelines, 2015. Collection method: clinical testing. Allele origin: germline. Affected: no.

Genome-Nilou Lab
Classification: Uncertain significance for Aortic valve disease 1. Last evaluated: 2022-03-15. Review status: criteria provided, single submitter. Criteria: ACMG Guidelines, 2015. Collection method: clinical testing. Allele origin: germline. Affected: no.

Genome Diagnostics Laboratory, Amsterdam University Medical Center
Classification: Uncertain significance. Review status: no assertion criteria provided. Collection method: clinical testing. Allele origin: germline. Affected: yes. Study: VKGL Data-share Consensus. Not counted in ClinVar's aggregate classification.

Joint Genome Diagnostic Labs from Nijmegen and Maastricht, Radboudumc and MUMC+
Classification: Uncertain significance. Review status: no assertion criteria provided. Collection method: clinical testing. Allele origin: germline. Affected: yes. Study: VKGL Data-share Consensus. Not counted in ClinVar's aggregate classification.

Literature cited by the submitters: PubMed 29907982 (cited by Ambry Genetics); PubMed 37198425 (cited by Ambry Genetics); PubMed 38778082 (cited by Ambry Genetics).